The following is an entry in ClinVar:

ClinVar aggregate classification (germline): Uncertain significance. Review status: criteria provided, multiple submitters, no conflicts (2 of 4 stars). 2 submissions from 2 submitters: Uncertain significance (2). Last evaluated 2024-12-02.

Allele frequency attached by ClinVar (database versions not stated): gnomAD 0.00001; TOPMed 0.00002; gnomAD exomes 0.00005; ExAC 0.00007; ESP Exome Variant Server 0.00008.
gnomAD v4.1: 25 of 1,613,926 alleles (0.0015%); highest among the groups gnomAD compares: South Asian, 0.0099%; no homozygotes.

Submissions (2):

Labcorp Genetics (formerly Invitae), Labcorp
Classification: Uncertain significance. Last evaluated: 2024-12-02. Review status: criteria provided, single submitter. Criteria: Invitae Variant Classification Sherloc (09022015). Collection method: clinical testing. Allele origin: germline.
Comment: This sequence change replaces isoleucine, which is neutral and non-polar, with threonine, which is neutral and polar, at codon 578 of the AGBL5 protein (p.Ile578Thr). This variant is present in population databases (rs375155197, gnomAD 0.01%). This variant has not been reported in the literature in individuals affected with AGBL5-related conditions. ClinVar contains an entry for this variant (Variation ID: 856776). An algorithm developed to predict the effect of missense changes on protein structure and function (PolyPhen-2) suggests that this variant is likely to be tolerated. In summary, the available evidence is currently insufficient to determine the role of this variant in disease. Therefore, it has been classified as a Variant of Uncertain Significance.

Blueprint Genetics
Classification: Uncertain significance. Last evaluated: 2022-11-02. Review status: criteria provided, single submitter. Criteria: ACMG Guidelines, 2015. Collection method: clinical testing. Allele origin: germline.

NM_021831.6(AGBL5):c.1733T>C (p.Ile578Thr)

Gene: AGBL5 (AGBL carboxypeptidase 5; plus strand). Cytogenetic location: 2p23.3.
Variant type: single nucleotide variant.
Coding change: c.1733T>C on transcript NM_021831.6 (MANE Select); coding-DNA position 1733, T replaced by C.
Protein change: p.Ile578Thr; replaces isoleucine 578 with threonine.
Molecular consequence: missense variant. On other transcripts: non-coding transcript variant (2).
Genome position (GRCh38, 1-based): chr2:27,058,461, T>C. VCF-style: chr2-27058461-T-C. GRCh37 (hg19) VCF-style: chr2-27281329-T-C.
Other names: c.1733T>C, p.Ile578Thr (NM_001035507.3); short protein forms I578T.
Identifiers: ClinVar variation 856776 (VCV000856776.10), dbSNP rs375155197, ClinGen allele CA1567952.